The following is an entry in ClinVar:

NM_001171.6(ABCC6):c.841A>G (p.Lys281Glu)

Gene: ABCC6 (ATP binding cassette subfamily C member 6; minus strand). Cytogenetic location: 16p13.11.
Variant type: single nucleotide variant.
Coding change: c.841A>G on transcript NM_001171.6 (MANE Select); coding-DNA position 841, A replaced by G.
Protein change: p.Lys281Glu; replaces lysine 281 with glutamic acid.
Molecular consequence: missense variant. On other transcripts: non-coding transcript variant (1).
Genome position (GRCh38, 1-based): chr16:16,203,567, T>C on the plus strand (A>G on the coding strand, the complement: ABCC6 is on the minus strand). VCF-style: chr16-16203567-T-C. GRCh37 (hg19) VCF-style: chr16-16297424-T-C.
Other names: c.499A>G, p.Lys167Glu (NM_001351800.1); short protein forms K281E, K167E.
Identifiers: ClinVar variation 388990 (VCV000388990.7), dbSNP rs879274205, ClinGen allele CA7926531.

ClinVar aggregate classification (germline): Conflicting classifications of pathogenicity. Review status: criteria provided, conflicting classifications (1 of 4 stars). 4 submissions from 4 submitters: Uncertain significance (2); Likely benign (2). Last evaluated 2026-05-12.

Conditions:
ABCC6-related disorder. Also called: ABCC6-related condition.
Autosomal recessive inherited pseudoxanthoma elasticum (PXE). Identifiers: Orphanet 758, MedGen CN032334, MONDO:0009925, OMIM 264800.

Allele frequency attached by ClinVar (database versions not stated): gnomAD exomes 0.00002; ExAC 0.00003; TOPMed 0.00004; gnomAD 0.00005; 1000 Genomes Project 30x 0.00016.
gnomAD v4.1: 42 of 1,613,994 alleles (0.0026%); highest among the groups gnomAD compares: Middle Eastern, 0.033%; no homozygotes.

Submissions (4):

PreventionGenetics, part of Exact Sciences
Classification: Uncertain significance for ABCC6-related condition. Last evaluated: 2026-05-12. Review status: criteria provided, single submitter. Criteria: ACMG Guidelines, 2015. Collection method: clinical testing. Allele origin: germline.
Comment: The ABCC6 c.841A>G variant is predicted to result in the amino acid substitution p.Lys281Glu. This variant has been reported as likely to be non-disease causing in a cohort study of pseudoxanthoma elasticum (Le Saux et al. 2001. PubMed ID: 11536079). This variant has also been reported as a common polymorphism in ABCC6 screens (Miksch et al. 2005. PubMed ID: 16086317; Boraldi et al. 2021. PubMed ID: 34205333). This variant is reported in 0.0065% of alleles in individuals of South Asian descent in gnomAD and has interpretations of both uncertain and likely benign in ClinVar. At this time, we interpret the clinical significance of this variant to be uncertain due to the absence of conclusive functional and genetic evidence.

Blueprint Genetics
Classification: Likely benign. Last evaluated: 2024-09-07. Review status: criteria provided, single submitter. Criteria: ACMG Guidelines, 2015. Collection method: clinical testing. Allele origin: germline.

PXE International
Classification: Uncertain significance for Autosomal recessive inherited pseudoxanthoma elasticum. Last evaluated: 2021-03-01. Review status: criteria provided, single submitter. Criteria: Submitter's publication. Collection method: research. Allele origin: germline. Inheritance: Autosomal recessive inheritance. Affected: yes.

GeneDx
Classification: Likely benign. Last evaluated: 2019-04-15. Review status: criteria provided, single submitter. Criteria: GeneDx Variant Classification Process June 2021. Collection method: clinical testing. Allele origin: germline. Affected: yes.
Comment: This variant is associated with the following publications: (PMID: 12384774, 16086317, 11536079)